The following is an entry in ClinVar:

NM_002226.5(JAG2):c.189C>T (p.Gly63=)

Gene: JAG2 (jagged canonical Notch ligand 2; minus strand). Cytogenetic location: 14q32.33.
Variant type: single nucleotide variant.
Coding change: c.189C>T on transcript NM_002226.5 (MANE Select); coding-DNA position 189, C replaced by T.
Protein change: p.Gly63=; no amino-acid change (glycine 63 retained).
Molecular consequence: synonymous variant.
Genome position (GRCh38, 1-based): chr14:105,167,985, G>A on the plus strand (C>T on the coding strand, the complement: JAG2 is on the minus strand). VCF-style: chr14-105167985-G-A. GRCh37 (hg19) VCF-style: chr14-105634322-G-A.
Other names: c.189C>T, p.Gly63= (NM_145159.3).
Identifiers: ClinVar variation 3046543 (VCV003046543.2), dbSNP rs776534959, ClinGen allele CA7386498.

ClinVar aggregate classification (germline): Likely benign (0 of 4 stars; one submission).

Conditions:
JAG2-related disorder. Also called: JAG2-related condition.

Allele frequency attached by ClinVar (database versions not stated): ExAC 0.00001.
gnomAD v4.1: 9 of 1,602,694 alleles (0.00056%); highest among the groups gnomAD compares: South Asian, 0.0011%; no homozygotes.

Submission:

PreventionGenetics, part of Exact Sciences
Classification: Likely benign for JAG2-related condition. Last evaluated: 2023-04-20. Review status: no assertion criteria provided. Collection method: clinical testing. Allele origin: germline.
Comment: This variant is classified as likely benign based on ACMG/AMP sequence variant interpretation guidelines (Richards et al. 2015 PMID: 25741868, with internal and published modifications).